The following is an entry in ClinVar:

NM_000262.3(NAGA):c.957+2T>C

Gene: NAGA (alpha-N-acetylgalactosaminidase; minus strand). Cytogenetic location: 22q13.2.
Variant type: single nucleotide variant.
Coding change: c.957+2T>C on transcript NM_000262.3 (MANE Select); the canonical splice donor site of the intron after coding-DNA position 957, T replaced by C.
Molecular consequence: splice donor variant.
Genome position (GRCh38, 1-based): chr22:42,062,825, A>G on the plus strand (T>C on the coding strand, the complement: NAGA is on the minus strand). VCF-style: chr22-42062825-A-G. GRCh37 (hg19) VCF-style: chr22-42458829-A-G.
Other names: c.957+2T>C (NM_001362850.1, NM_001362848.1).
Identifiers: ClinVar variation 4732308 (VCV004732308.1).

ClinVar aggregate classification (germline): Likely pathogenic (1 of 4 stars; one submission).

Conditions:
Alpha-N-acetylgalactosaminidase deficiency type 1. Also called: SCHINDLER DISEASE, TYPE I; ALPHA-N-ACETYLGALACTOSAMINIDASE DEFICIENCY, TYPE I; NAGA DEFICIENCY, TYPE I; NEUROAXONAL DYSTROPHY, SCHINDLER TYPE. Identifiers: Orphanet 3137, Orphanet 79279, Orphanet 79281, MedGen C1836544, MONDO:0012221, OMIM 609241.

Submission:

Labcorp Genetics (formerly Invitae), Labcorp
Classification: Likely pathogenic for Alpha-N-acetylgalactosaminidase deficiency type 1. Last evaluated: 2025-12-01. Review status: criteria provided, single submitter. Criteria: Invitae Variant Classification Sherloc (09022015). Collection method: clinical testing. Allele origin: germline.
Comment: This sequence change affects a donor splice site in intron 7 of the NAGA gene. It is expected to disrupt RNA splicing. Variants that disrupt the donor or acceptor splice site typically lead to a loss of protein function (PMID: 16199547), and loss-of-function variants in NAGA are known to be pathogenic (PMID: 8782044, 11251574). This variant is not present in population databases (gnomAD no frequency). This variant has not been reported in the literature in individuals affected with NAGA-related conditions. Algorithms developed to predict the effect of sequence changes on RNA splicing suggest that this variant may disrupt the consensus splice site. In summary, the currently available evidence indicates that the variant is pathogenic, but additional data are needed to prove that conclusively. Therefore, this variant has been classified as Likely Pathogenic.

Literature cited by the submitters: PubMed 16199547; PubMed 8782044; PubMed 11251574.